The following is an entry in ClinVar:

ClinVar aggregate classification (germline): Uncertain significance (1 of 4 stars; one submission).

Conditions:
Adams-Oliver syndrome 5 (AOS5). Identifiers: Orphanet 974, MedGen C4014970, MONDO:0014459, OMIM 616028.

Submission:

Labcorp Genetics (formerly Invitae), Labcorp
Classification: Uncertain significance for Adams-Oliver syndrome 5. Last evaluated: 2026-01-11. Review status: criteria provided, single submitter. Criteria: Invitae Variant Classification Sherloc (09022015). Collection method: clinical testing. Allele origin: germline.
Comment: This sequence change replaces proline, which is neutral and non-polar, with arginine, which is basic and polar, at codon 130 of the NOTCH1 protein (p.Pro130Arg). This variant is not present in population databases (gnomAD no frequency). This variant has not been reported in the literature in individuals affected with NOTCH1-related conditions. ClinVar contains an entry for this variant (Variation ID: 3679663). Invitae Evidence Modeling of protein sequence and biophysical properties (such as structural, functional, and spatial information, amino acid conservation, physicochemical variation, residue mobility, and thermodynamic stability) indicates that this missense variant is not expected to disrupt NOTCH1 protein function with a negative predictive value of 95%. In summary, the available evidence is currently insufficient to determine the role of this variant in disease. Therefore, it has been classified as a Variant of Uncertain Significance.

NM_017617.5(NOTCH1):c.389C>G (p.Pro130Arg)

Gene: NOTCH1 (notch receptor 1; minus strand). Cytogenetic location: 9q34.3.
Variant type: single nucleotide variant.
Coding change: c.389C>G on transcript NM_017617.5 (MANE Select); coding-DNA position 389, C replaced by G.
Protein change: p.Pro130Arg; replaces proline 130 with arginine.
Molecular consequence: missense variant.
Genome position (GRCh38, 1-based): chr9:136,523,731, G>C on the plus strand (C>G on the coding strand, the complement: NOTCH1 is on the minus strand). VCF-style: chr9-136523731-G-C. GRCh37 (hg19) VCF-style: chr9-139418183-G-C.
Other names: short protein forms P130R.
Identifiers: ClinVar variation 3679663 (VCV003679663.2).